The following is an entry in ClinVar:

ClinVar aggregate classification (germline): Pathogenic (1 of 4 stars; one submission).

Submission:

Labcorp Genetics (formerly Invitae), Labcorp
Classification: Pathogenic. Last evaluated: 2020-08-31. Review status: criteria provided, single submitter. Criteria: Invitae Variant Classification Sherloc (09022015). Collection method: clinical testing. Allele origin: germline.
Comment: This variant has not been reported in the literature in individuals with WHRN-related conditions. This sequence change creates a premature translational stop signal (p.Val654Profs*37) in the WHRN gene. It is expected to result in an absent or disrupted protein product. This variant is not present in population databases (ExAC no frequency). Loss-of-function variants in WHRN are known to be pathogenic (PMID: 12833159, 15841483, 22147658). For these reasons, this variant has been classified as Pathogenic.

Literature cited by the submitters: PubMed 12833159; PubMed 15841483; PubMed 22147658.

NM_015404.4(WHRN):c.1958_1959dup (p.Val654fs)

Gene: WHRN (whirlin; minus strand). Cytogenetic location: 9q32.
Variant type: Duplication.
Coding change: c.1958_1959dup on transcript NM_015404.4 (MANE Select); coding-DNA positions 1958 to 1959, 2 bases duplicated (CC; older notation c.1958_1959dupCC).
Protein change: p.Val654fs; shifts the reading frame from valine 654.
Molecular consequence: frameshift variant.
Genome position (GRCh38, 1-based): chr9:114,406,632-114,406,633, GG duplicated on the plus strand (CC on the coding strand, the reverse complement: WHRN is on the minus strand). VCF-style (leftmost placement, unchanged base first): chr9-114406631-C-CGG. GRCh37 (hg19) VCF-style: chr9-117168911-C-CGG.
Other names: c.809_810dup, p.Val271fs (NM_001083885.3); c.1958_1959dup, p.Val654fs (NM_001173425.2); c.905_906dup, p.Val303fs (NM_001346890.1); short protein forms V271fs, V303fs, V654fs.
Identifiers: ClinVar variation 1072887 (VCV001072887.7), dbSNP rs2132211574, ClinGen allele CA2499219590.